The following is an entry in ClinVar:

NM_002181.4(IHH):c.478C>A (p.Arg160Ser)

Gene: IHH (Indian hedgehog signaling molecule; minus strand). Cytogenetic location: 2q35.
Variant type: single nucleotide variant.
Coding change: c.478C>A on transcript NM_002181.4 (MANE Select); coding-DNA position 478, C replaced by A.
Protein change: p.Arg160Ser; replaces arginine 160 with serine.
Molecular consequence: missense variant.
Genome position (GRCh38, 1-based): chr2:219,057,532, G>T on the plus strand (C>A on the coding strand, the complement: IHH is on the minus strand). VCF-style: chr2-219057532-G-T. GRCh37 (hg19) VCF-style: chr2-219922254-G-T.
Other names: short protein forms R160S.
Identifiers: ClinVar variation 834086 (VCV000834086.2), dbSNP rs1948842030, ClinGen allele CA350634587.

ClinVar aggregate classification (germline): Likely pathogenic (1 of 4 stars; one submission).

Conditions:
Brachydactyly type A1. Also called: FARABEE-TYPE BRACHYDACTYLY; SHORT STATURE WITH NONSPECIFIC SKELETAL ABNORMALITIES 2. Identifiers: Orphanet 93388, MedGen C1862151, MONDO:0007215, OMIM 112500, HP:0009371.

Allele frequency attached by ClinVar (database versions not stated): gnomAD exomes below 0.00001.
gnomAD v4.1: 1 of 1,614,034 alleles (0.000062%); highest among the groups gnomAD compares: East Asian, 0.0022%; no homozygotes.

Submission:

Wanghongyan lab, Fudan University
Classification: Likely pathogenic for Brachydactyly type A1. Last evaluated: 2020-03-23. Review status: criteria provided, single submitter. Criteria: ACMG Guidelines, 2015. Collection method: clinical testing. Allele origin: paternal, unknown. Inheritance: Autosomal dominant inheritance. Affected: yes. Observed: 1 heterozygote, 1 hemizygote.
Comment: The p.Arg160Ser in IHH hasn't been reported before. We discovered it in one family from a Chinese cohort contains 1135 unrelated short stature patients. The p.Arg160Ser were cosegregated with BDA1 phenotypes in this 8-member family with autosomal dominant pattern. This variant was absent from ExAC, 1000 Genomes data, and 592 Chinese controls. The p.Arg160Ser was classified as "Likely Pathogenic" using the ACMG/AMP standards(PM1+PM2+PP2+PP3+PP4).

Literature cited by the submitters: PubMed 11455389.